The following is an entry in ClinVar:

ClinVar aggregate classification (germline): Uncertain significance (1 of 4 stars; one submission).

Submission:

Greenwood Genetic Center Diagnostic Laboratories, Greenwood Genetic Center
Classification: Uncertain significance. Last evaluated: 2025-12-02. Review status: criteria provided, single submitter. Criteria: ACMG Guidelines, 2015. Collection method: clinical testing. Allele origin: germline. Affected: yes.
Comment: PM2

NM_018255.4(ELP2):c.[446-34T>G;446-37T>G]

Variant type: Haplotype.
Identifiers: ClinVar variation 4845501 (VCV004845501.1).